The following is an entry in ClinVar:

NM_001378609.3(OTOGL):c.6488A>G (p.Asn2163Ser)

Gene: OTOGL (otogelin like; plus strand). Cytogenetic location: 12q21.31.
Variant type: single nucleotide variant.
Coding change: c.6488A>G on transcript NM_001378609.3 (MANE Select); coding-DNA position 6488, A replaced by G.
Protein change: p.Asn2163Ser; replaces asparagine 2163 with serine.
Molecular consequence: missense variant.
Genome position (GRCh38, 1-based): chr12:80,367,717, A>G. VCF-style: chr12-80367717-A-G. GRCh37 (hg19) VCF-style: chr12-80761497-A-G.
Other names: c.6353A>G, p.Asn2118Ser (NM_001368062.3); c.6488A>G, p.Asn2163Ser (NM_001378610.3, NM_173591.7); short protein forms N2118S, N2163S.
Identifiers: ClinVar variation 1974159 (VCV001974159.5), dbSNP rs1272056377, ClinGen allele CA385889521.

ClinVar aggregate classification (germline): Uncertain significance (1 of 4 stars; one submission).

Allele frequency attached by ClinVar (database versions not stated): gnomAD exomes below 0.00001.
gnomAD v4.1: 5 of 1,430,334 alleles (0.00035%); highest among the groups gnomAD compares: South Asian, 0.0016%; no homozygotes.

Submission:

Labcorp Genetics (formerly Invitae), Labcorp
Classification: Uncertain significance. Last evaluated: 2022-02-22. Review status: criteria provided, single submitter. Criteria: Invitae Variant Classification Sherloc (09022015). Collection method: clinical testing. Allele origin: germline.
Comment: This sequence change replaces asparagine, which is neutral and polar, with serine, which is neutral and polar, at codon 2154 of the OTOGL protein (p.Asn2154Ser). The frequency data for this variant in the population databases is considered unreliable, as metrics indicate poor data quality at this position in the gnomAD database. This variant has not been reported in the literature in individuals affected with OTOGL-related conditions. Algorithms developed to predict the effect of missense changes on protein structure and function are either unavailable or do not agree on the potential impact of this missense change (SIFT: "Deleterious"; PolyPhen-2: "Probably Damaging"; Align-GVGD: "Class C0"). Algorithms developed to predict the effect of sequence changes on RNA splicing suggest that this variant may disrupt the consensus splice site. In summary, the available evidence is currently insufficient to determine the role of this variant in disease. Therefore, it has been classified as a Variant of Uncertain Significance.